The following is an entry in ClinVar:

ClinVar aggregate classification (germline): Conflicting classifications of pathogenicity. Review status: criteria provided, conflicting classifications (1 of 4 stars). 2 submissions from 2 submitters: Uncertain significance (1); Likely benign (1). Last evaluated 2026-01-12.

Conditions:
Hereditary cancer-predisposing syndrome. Also called: Hereditary neoplastic syndrome; Neoplastic Syndromes, Hereditary; Hereditary Cancer Syndrome; Tumor predisposition. Identifiers: Orphanet 140162, MedGen C0027672, MeSH D009386, MONDO:0015356.
Gorlin syndrome. Also called: Nevoid Basal Cell Carcinoma Syndrome; Basal cell nevus syndrome. Identifiers: Orphanet 377, MedGen C0004779, MONDO:0007187.

Allele frequency attached by ClinVar (database versions not stated): TOPMed 0.00001.
gnomAD v4.1: 6 of 1,613,826 alleles (0.00037%); highest among the groups gnomAD compares: Middle Eastern, 0.016%; no homozygotes.

Submissions (2):

Labcorp Genetics (formerly Invitae), Labcorp
Classification: Likely benign for Gorlin syndrome. Last evaluated: 2026-01-12. Review status: criteria provided, single submitter. Criteria: Invitae Variant Classification Sherloc (09022015). Collection method: clinical testing. Allele origin: germline.

Ambry Genetics
Classification: Uncertain significance for Hereditary cancer-predisposing syndrome. Last evaluated: 2023-11-15. Review status: criteria provided, single submitter. Criteria: Ambry Variant Classification Scheme 2023. Collection method: clinical testing. Allele origin: germline.
Comment: The p.D635Y variant (also known as c.1903G>T), located in coding exon 14 of the PTCH1 gene, results from a G to T substitution at nucleotide position 1903. The aspartic acid at codon 635 is replaced by tyrosine, an amino acid with highly dissimilar properties. This amino acid position is not well conserved in available vertebrate species. In addition, the in silico prediction for this alteration is inconclusive. Since supporting evidence is limited at this time, the clinical significance of this alteration remains unclear.

NM_000264.5(PTCH1):c.1903G>T (p.Asp635Tyr)

Genes: PTCH1 (patched 1; minus strand), LOC100507346 (uncharacterized LOC100507346; plus strand). Cytogenetic location: 9q22.32.
Variant type: single nucleotide variant.
Coding change: c.1903G>T on transcript NM_000264.5 (MANE Select); coding-DNA position 1903, G replaced by T.
Protein change: p.Asp635Tyr; replaces aspartic acid 635 with tyrosine.
Molecular consequence: missense variant. On other transcripts: non-coding transcript variant (2).
Genome position (GRCh38, 1-based): chr9:95,469,098, C>A on the plus strand (G>T on the coding strand, the complement: PTCH1 is on the minus strand). VCF-style: chr9-95469098-C-A. GRCh37 (hg19) VCF-style: chr9-98231380-C-A.
Other names: c.1705G>T, p.Asp569Tyr (NM_001083602.3); c.1900G>T, p.Asp634Tyr (NM_001083603.3); c.1450G>T, p.Asp484Tyr (NM_001083604.3, NM_001083605.3, NM_001083606.3 and 1 more transcripts); c.1747G>T, p.Asp583Tyr (NM_001354918.2); short protein forms D569Y, D635Y, D583Y, D634Y, D484Y.
Identifiers: ClinVar variation 574015 (VCV000574015.11), dbSNP rs372555269, ClinGen allele CA5138484.